The following is an entry in ClinVar:

ClinVar aggregate classification (germline): Conflicting classifications of pathogenicity. Review status: criteria provided, conflicting classifications (1 of 4 stars). 2 submissions from 2 submitters: Likely pathogenic (1); Uncertain significance (1). Last evaluated 2025-06-23.

Conditions:
Dilated cardiomyopathy 1G (CMD1G). Identifiers: Orphanet 154, MedGen C1858763, MONDO:0011400, OMIM 604145.
Autosomal recessive limb-girdle muscular dystrophy type 2J (LGMDR10). Also called: Limb-girdle muscular dystrophy, type 2J; MUSCULAR DYSTROPHY, LIMB-GIRDLE, AUTOSOMAL RECESSIVE 10. Identifiers: Orphanet 140922, MedGen C1837342, MONDO:0012127, OMIM 608807.

Allele frequency attached by ClinVar (database versions not stated): gnomAD exomes below 0.00001; TOPMed below 0.00001; ExAC 0.00001.
gnomAD v4.1: 1 of 1,614,014 alleles (0.000062%); highest among the groups gnomAD compares: Non-Finnish European, 0.000085%; no homozygotes.

Submissions (2):

Labcorp Genetics (formerly Invitae), Labcorp
Classification: Likely pathogenic for Dilated cardiomyopathy 1G; Autosomal recessive limb-girdle muscular dystrophy type 2J. Last evaluated: 2025-06-23. Review status: criteria provided, single submitter. Criteria: Invitae Variant Classification Sherloc (09022015). Collection method: clinical testing. Allele origin: germline.
Comment: This sequence change affects a donor splice site in intron 25 of the TTN gene. It is expected to disrupt RNA splicing and likely results in a truncated or disrupted TTN protein. This variant is present in population databases (rs766581255, gnomAD 0.0009%). This variant has not been reported in the literature in individuals affected with TTN-related conditions. ClinVar contains an entry for this variant (Variation ID: 942356). Algorithms developed to predict the effect of sequence changes on RNA splicing suggest that this variant may disrupt the consensus splice site. This variant is located in the Z band of TTN (PMID: 25589632). Truncating variants in this region have been reported in individuals affected with autosomal recessive centronuclear myopathy (PMID: 33449170, internal data). Truncating variants in this region have also been identified in individuals affected with autosomal dominant dilated cardiomyopathy and/or cardio-related conditions (PMID: 27869827, 32964742, internal data). In summary, the currently available evidence indicates that the variant is pathogenic, but additional data are needed to prove that conclusively. Therefore, this variant has been classified as Likely Pathogenic.

Revvity Omics, Revvity
Classification: Uncertain significance. Last evaluated: 2021-05-17. Review status: criteria provided, single submitter. Criteria: ACMG Guidelines, 2015. Collection method: clinical testing. Allele origin: germline.

Literature cited by the submitters: PubMed 25589632 (cited by Labcorp Genetics (formerly Invitae), Labcorp); PubMed 33449170 (cited by Labcorp Genetics (formerly Invitae), Labcorp); PubMed 27869827 (cited by Labcorp Genetics (formerly Invitae), Labcorp); PubMed 32964742 (cited by Labcorp Genetics (formerly Invitae), Labcorp).

NM_001267550.2(TTN):c.4480+1G>A

Genes: TTN (titin; minus strand), LOC101927055 (uncharacterized LOC101927055; plus strand). Cytogenetic location: 2q31.2.
Variant type: single nucleotide variant.
Coding change: c.4480+1G>A on transcript NM_001267550.2 (MANE Select); the canonical splice donor site of the intron after coding-DNA position 4480, G replaced by A.
Molecular consequence: splice donor variant. On other transcripts: non-coding transcript variant (1).
Genome position (GRCh38, 1-based): chr2:178,777,703, C>T on the plus strand (G>A on the coding strand, the complement: TTN is on the minus strand). VCF-style: chr2-178777703-C-T. GRCh37 (hg19) VCF-style: chr2-179642430-C-T.
Other names: c.4342+1G>A (NM_003319.4, NM_133437.4, NM_133432.3); c.4480+1G>A (NM_133378.4, NM_001256850.1, NM_133379.5).
Identifiers: ClinVar variation 942356 (VCV000942356.12), dbSNP rs766581255, ClinGen allele CA2005318.